The following is an entry in ClinVar:

ClinVar aggregate classification (germline): Conflicting classifications of pathogenicity. Review status: criteria provided, conflicting classifications (1 of 4 stars). 5 submissions from 5 submitters: Uncertain significance (3); Likely benign (2). Last evaluated 2026-01-05.

Conditions:
Birt-Hogg-Dube syndrome 1 (BHD1). Also called: FIBROFOLLICULOMAS WITH TRICHODISCOMAS AND ACROCHORDONS. Identifiers: Orphanet 122, MedGen CN375946, MONDO:0800445, OMIM 135150.
Hereditary cancer-predisposing syndrome. Also called: Neoplastic Syndromes, Hereditary; Tumor predisposition; Hereditary Cancer Syndrome; Hereditary neoplastic syndrome. Identifiers: Orphanet 140162, MedGen C0027672, MeSH D009386, MONDO:0015356.
Birt-Hogg-Dube syndrome. Also called: Birt Hogg Dubé syndrome. Identifiers: Orphanet 122, MedGen C0346010, MONDO:0800444.
Familial spontaneous pneumothorax (PSP). Identifiers: Orphanet 2903, MedGen C1868193, MONDO:0008259, OMIM 173600.
17p11.2 microduplication syndrome (PTLS). Also called: Potocki-Lupski syndrome; Duplication 17p11.2 syndrome; Potocki-Lupski syndrome (dup(17)(p11.2p11.2)); CHROMOSOME 17p11.2 DUPLICATION SYNDROME. Identifiers: Orphanet 1713, MedGen C2931246, MONDO:0012574, OMIM 610883.
Nonpapillary renal cell carcinoma. Identifiers: Orphanet 422526, MedGen CN074294, MONDO:0007763, OMIM 144700.
Colorectal cancer. Also called: Colorectal cancer, somatic; Malignant Colorectal Neoplasm. Identifiers: MedGen C0346629, MONDO:0005575, OMIM 114500.

Allele frequency attached by ClinVar (database versions not stated): ExAC 0.00001; gnomAD exomes 0.00001 and 0.00002; TOPMed 0.00002; gnomAD 0.00005; ESP Exome Variant Server 0.00008.
gnomAD v4.1: 28 of 1,613,674 alleles (0.0017%); highest among the groups gnomAD compares: African/African-American, 0.015%; no homozygotes.

Submissions (5):

Labcorp Genetics (formerly Invitae), Labcorp
Classification: Uncertain significance for Birt-Hogg-Dube syndrome. Last evaluated: 2026-01-05. Review status: criteria provided, single submitter. Criteria: Invitae Variant Classification Sherloc (09022015). Collection method: clinical testing. Allele origin: germline.
Comment: This sequence change replaces leucine, which is neutral and non-polar, with proline, which is neutral and non-polar, at codon 29 of the FLCN protein (p.Leu29Pro). This variant is present in population databases (rs150051278, gnomAD 0.02%). This variant has not been reported in the literature in individuals affected with FLCN-related conditions. ClinVar contains an entry for this variant (Variation ID: 567066). Invitae Evidence Modeling of protein sequence and biophysical properties (such as structural, functional, and spatial information, amino acid conservation, physicochemical variation, residue mobility, and thermodynamic stability) indicates that this missense variant is not expected to disrupt FLCN protein function with a negative predictive value of 80%. In summary, the available evidence is currently insufficient to determine the role of this variant in disease. Therefore, it has been classified as a Variant of Uncertain Significance.

Myriad Genetics, Inc.
Classification: Likely benign for Birt-Hogg-Dube syndrome 1. Last evaluated: 2024-08-30. Review status: criteria provided, single submitter. Criteria: Myriad Autosomal Dominant, Autosomal Recessive and X-Linked Classification Criteria (2023). Collection method: clinical testing. Allele origin: unknown.
Comment: This variant is considered likely benign. This variant has been observed at a population frequency that is significantly greater than expected given the associated disease prevalence and penetrance.

GeneDx
Classification: Uncertain significance. Last evaluated: 2023-07-11. Review status: criteria provided, single submitter. Criteria: GeneDx Variant Classification Process June 2021. Collection method: clinical testing. Allele origin: germline. Affected: yes.
Comment: In silico analysis supports that this missense variant does not alter protein structure/function; Has not been previously published as pathogenic or benign to our knowledge

Ambry Genetics
Classification: Likely benign for Hereditary cancer-predisposing syndrome. Last evaluated: 2022-10-11. Review status: criteria provided, single submitter. Criteria: Ambry Variant Classification Scheme 2023. Collection method: clinical testing. Allele origin: germline.

Fulgent Genetics
Classification: Uncertain significance for Colorectal cancer; Birt-Hogg-Dube syndrome 1; Nonpapillary renal cell carcinoma; Familial spontaneous pneumothorax; 17p11.2 microduplication syndrome. Last evaluated: 2021-12-23. Review status: criteria provided, single submitter. Criteria: ACMG Guidelines, 2015. Collection method: clinical testing. Allele origin: unknown.

NM_144997.7(FLCN):c.86T>C (p.Leu29Pro)

Gene: FLCN (folliculin; minus strand). Cytogenetic location: 17p11.2.
Variant type: single nucleotide variant.
Coding change: c.86T>C on transcript NM_144997.7 (MANE Select); coding-DNA position 86, T replaced by C.
Protein change: p.Leu29Pro; replaces leucine 29 with proline.
Molecular consequence: missense variant.
Genome position (GRCh38, 1-based): chr17:17,228,052, A>G on the plus strand (T>C on the coding strand, the complement: FLCN is on the minus strand). VCF-style: chr17-17228052-A-G. GRCh37 (hg19) VCF-style: chr17-17131366-A-G.
Other names: c.86T>C (LRG_325t1); c.86T>C, p.Leu29Pro (NM_001353229.2, NM_001353230.2, NM_001353231.2 and 1 more transcripts); short protein forms L29P.
Identifiers: ClinVar variation 567066 (VCV000567066.16), dbSNP rs150051278, ClinGen allele CA8416519.
Genomic context (GRCh38, chr17:17,228,052, plus strand): 5'-TCCTCTTCTTCCGCCTGCTCACCCTGGCCAGGACTGTCCTCATTCCCATCCCCTTGAGGA[A>G]GTGGGGCGTGCAGCACCTCCGTGCAGAAGAGAGTGCGGGGGCCGTGGAGCTCGCAGAAGT-3'
Protein context (NP_659434.2, residues 19-39): LFCTEVLHAP[Leu29Pro]PQGDGNEDSP